The following is an entry in ClinVar:

NM_007294.4(BRCA1):c.4300dup (p.Ser1434fs)

Gene: BRCA1 (BRCA1 DNA repair associated; minus strand). Cytogenetic location: 17q21.31.
Variant type: Duplication.
Coding change: c.4300dup on transcript NM_007294.4 (MANE Select); coding-DNA position 4300, one base duplicated (A; older notation c.4300dupA).
Protein change: p.Ser1434fs; shifts the reading frame from serine 1434.
Molecular consequence: frameshift variant. On other transcripts: non-coding transcript variant (1).
Genome position (GRCh38, 1-based): chr17:43,082,461, T duplicated on the plus strand (A on the coding strand, the reverse complement: BRCA1 is on the minus strand); the first of 2 consecutive T bases (chr17:43,082,461-43,082,462); duplicating either gives the same sequence. VCF-style (leftmost placement, unchanged base first): chr17-43082460-C-CT. GRCh37 (hg19) VCF-style: chr17-41234477-C-CT.
Other names: 4419insA; c.4300dupA (NM_007294.3); c.4032dup, p.Ser1345Lysfs (NM_001407932.1, NM_001407933.1, NM_001407935.1 and 3 more transcripts); c.4029dup, p.Ser1344Lysfs (NM_001407934.1); c.4176dup, p.Ser1393Lysfs (NM_001407937.1, NM_001407938.1, NM_001407939.1 and 13 more transcripts); c.4173dup, p.Ser1392Lysfs (NM_001407940.1, NM_001407941.1, NM_001407649.1 and 12 more transcripts); c.4158dup, p.Ser1387Lysfs (NM_001407942.1, NM_001407944.1, NM_001407945.1 and 22 more transcripts); c.4155dup, p.Ser1386Lysfs (NM_001407943.1, NM_001407964.1, NM_001407740.1 and 23 more transcripts); and 56 more; short protein forms S1434fs, S1387fs, S331fs.
Identifiers: ClinVar variation 55164 (VCV000055164.25), dbSNP rs80357790, ClinGen allele CA002758.

ClinVar aggregate classification (germline): Pathogenic. Review status: reviewed by expert panel (3 of 4 stars). 7 submissions from 7 submitters: Pathogenic (1). 6 of the submissions do not count toward it. Last evaluated 2016-09-08.

Conditions:
Hereditary cancer-predisposing syndrome. Also called: Hereditary Cancer Syndrome; Hereditary neoplastic syndrome; Neoplastic Syndromes, Hereditary; Tumor predisposition. Identifiers: Orphanet 140162, MedGen C0027672, MeSH D009386, MONDO:0015356.
Hereditary breast ovarian cancer syndrome. Also called: BRCA1- and BRCA2-Associated Hereditary Breast and Ovarian Cancer; Hereditary breast and ovarian cancer syndrome; Hereditary breast and ovarian cancer syndrome (HBOC); Breast and ovarian cancer; Hereditary breast and/or ovarian cancer syndrome; Hereditary breast and ovarian cancer. Identifiers: Orphanet 145, MedGen C0677776, MeSH D061325, MONDO:0003582. Disease mechanism: loss of function.
Breast-ovarian cancer, familial, susceptibility to, 1 (BROVCA1). Also called: BRCA1 Hereditary Breast and Ovarian Cancer; OVARIAN CANCER, SUSCEPTIBILITY TO. Identifiers: Orphanet 145, MedGen C2676676, MONDO:0011450, OMIM 604370. Disease mechanism: loss of function.

Submissions (7):

Evidence-based Network for the Interpretation of Germline Mutant Alleles (ENIGMA)
Classification: Pathogenic for Breast-ovarian cancer, familial, susceptibility to, 1. Last evaluated: 2016-09-08. Review status: reviewed by expert panel. Criteria: ENIGMA BRCA1/2 Classification Criteria (2015). Collection method: curation. Allele origin: germline.
Comment: Variant allele predicted to encode a truncated non-functional protein.

Molecular Pathology, Peter Maccallum Cancer Centre
Classification: Pathogenic for Breast-ovarian cancer, familial, susceptibility to, 1. Last evaluated: 2024-01-15. Review status: criteria provided, single submitter. Criteria: ACMG Guidelines, 2015. Collection method: clinical testing. Allele origin: germline. Inheritance: Autosomal dominant inheritance. Not counted in ClinVar's aggregate classification.

Ambry Genetics
Classification: Pathogenic for Hereditary cancer-predisposing syndrome. Last evaluated: 2023-03-07. Review status: criteria provided, single submitter. Criteria: Ambry Variant Classification Scheme 2023. Collection method: clinical testing. Allele origin: germline. Not counted in ClinVar's aggregate classification.
Comment: The c.4300dupA variant, located in coding exon 11 of the BRCA1 gene, results from a duplication of A at nucleotide position 4300, causing a translational frameshift with a predicted alternate stop codon (p.S1434Kfs*2). This variant has been reported in families with Hereditary Breast and/or Ovarian Cancer (Arnold N et al. Hum. Mutat. 1999;14:333-9; Gross E et al. Hum. Mutat. 2000 Oct;16:345-53; Kiechle M et al. Hum. Mutat. 2000 Dec;16:529-30; Meindl A et al. Int. J. Cancer. 2002 Feb;97:472-80; Neveling K et al. Clin. Chem. 2017 Feb;63:503-512; Rebbeck TR et al. Hum. Mutat., 2018 May;39:593-620). Of note, this alteration is also designated as 4419insA in published literature. In addition to the clinical data presented in the literature, this alteration is expected to result in loss of function by premature protein truncation or nonsense-mediated mRNA decay. As such, this alteration is interpreted as a disease-causing mutation.

Labcorp Genetics (formerly Invitae), Labcorp
Classification: Pathogenic for Hereditary breast ovarian cancer syndrome. Last evaluated: 2022-08-20. Review status: criteria provided, single submitter. Criteria: Invitae Variant Classification Sherloc (09022015). Collection method: clinical testing. Allele origin: germline. Not counted in ClinVar's aggregate classification.
Comment: This variant is also known as 4419insA. This premature translational stop signal has been observed in individual(s) with personal and/or family history of breast and/or ovarian cancer (PMID: 10502781). This variant is present in population databases (rs80357790, gnomAD 0.0009%). For these reasons, this variant has been classified as Pathogenic. Algorithms developed to predict the effect of sequence changes on RNA splicing suggest that this variant may create or strengthen a splice site. ClinVar contains an entry for this variant (Variation ID: 55164). This sequence change creates a premature translational stop signal (p.Ser1434Lysfs*2) in the BRCA1 gene. It is expected to result in an absent or disrupted protein product. Loss-of-function variants in BRCA1 are known to be pathogenic (PMID: 20104584).

Color Diagnostics, LLC DBA Color Health
Classification: Pathogenic for Hereditary cancer-predisposing syndrome. Last evaluated: 2021-01-08. Review status: criteria provided, single submitter. Criteria: ACMG Guidelines, 2015. Collection method: clinical testing. Allele origin: germline. Not counted in ClinVar's aggregate classification.
Comment: This variant inserts 1 nucleotide in exon 12 of the BRCA1 gene, creating a frameshift and premature translation stop signal. This variant is expected to result in an absent or non-functional protein product. This variant has been observed in at least two hereditary breast and ovarian cancer families that include early-onset and bilateral breast cancer cases (PMID: 10502781, 11102986, 11802209, 29446198). This variant has been identified in 1/251428 chromosomes in the general population by the Genome Aggregation Database (gnomAD). Loss of BRCA1 function is a known mechanism of disease. Based on the available evidence, this variant is classified as Pathogenic.

Consortium of Investigators of Modifiers of BRCA1/2 (CIMBA), c/o University of Cambridge
Classification: Pathogenic for Breast-ovarian cancer, familial, susceptibility to, 1. Last evaluated: 2015-10-02. Review status: criteria provided, single submitter. Criteria: CIMBA Mutation Classification guidelines May 2016. Collection method: clinical testing. Allele origin: germline. Not counted in ClinVar's aggregate classification.

Breast Cancer Information Core (BIC) (BRCA1)
Classification: Pathogenic for Breast-ovarian cancer, familial 1. Review status: no assertion criteria provided. Collection method: clinical testing. Allele origin: germline. Affected: yes. Observed: 1 variant allele. Not counted in ClinVar's aggregate classification.

Literature cited by the submitters: PubMed 10502781 (cited by Ambry Genetics and Labcorp Genetics (formerly Invitae), Labcorp); PubMed 11013445 (cited by Ambry Genetics); PubMed 11102986 (cited by Ambry Genetics); PubMed 11802209 (cited by Ambry Genetics); PubMed 27974384 (cited by Ambry Genetics); PubMed 29446198 (cited by Ambry Genetics); PubMed 20104584 (cited by Labcorp Genetics (formerly Invitae), Labcorp).